The following is an entry in ClinVar:

ClinVar aggregate classification (germline): Likely benign (1 of 4 stars; one submission).

Conditions:
APC-related disorder. Also called: APC-related condition.

gnomAD v4.1: 1 of 152,094 alleles (0.00066%); highest among the groups gnomAD compares: Non-Finnish European, 0.0015%; no homozygotes.

Submission:

PreventionGenetics, part of Exact Sciences
Classification: Likely benign for APC-related condition. Last evaluated: 2026-08-06. Review status: criteria provided, single submitter. Criteria: ACMG Guidelines, 2015. Collection method: clinical testing. Allele origin: germline.
Comment: This variant is classified as likely benign based on ACMG/AMP sequence variant interpretation guidelines (Richards et al. 2015 PMID: 25741868, with internal and published modifications).

NM_001127511.3(APC):c.165+29168C>T

Gene: APC (APC regulator of Wnt signaling pathway; plus strand). Cytogenetic location: 5q22.2.
Variant type: single nucleotide variant.
Coding change: c.165+29168C>T on transcript NM_001127511.3; 29168 bases into the intron after coding-DNA position 165, C replaced by T.
Molecular consequence: intron variant.
Genome position (GRCh38, 1-based): chr5:112,737,050, C>T. VCF-style: chr5-112737050-C-T. GRCh37 (hg19) VCF-style: chr5-112072747-C-T.
Other names: c.-1053-17823C>T (NM_001407470.1, NM_001407472.1); c.-18-17823C>T (NM_001407447.1, NM_001354895.2, NM_001407456.1 and 7 more transcripts); c.165+29168C>T (NM_001407446.1, NM_001354897.2, NM_001354902.2); c.-42-29276C>T (NM_001407453.1).
Identifiers: ClinVar variation 5000335 (VCV005000335.1).
Genomic context (GRCh38, chr5:112,737,050, plus strand): 5'-TAAACCAGAATTTAAGTTTAACTTTATATATTCTTGACAGTTTGGATTTTGTCCTTCAAC[C>T]TCATAAAATTGGGAATTTAAGCATCACCTGGTTCGATTTAAATGCAATGTAGAATTTGCA-3'